The following is an entry in ClinVar:

ClinVar aggregate classification (germline): Likely benign (1 of 4 stars; one submission).

gnomAD v4.1: 2 of 1,613,552 alleles (0.00012%); highest among the groups gnomAD compares: Non-Finnish European, 0.000085%; no homozygotes.

Submission:

CeGaT Center for Human Genetics Tuebingen
Classification: Likely benign. Last evaluated: 2026-05-01. Review status: criteria provided, single submitter. Criteria: CeGaT Center For Human Genetics Tuebingen Variant Classification Criteria Version 2. Collection method: clinical testing. Allele origin: germline. Affected: yes. Observed: 2 variant alleles.
Comment: COL18A1: BP4, BP7

NM_001379500.1(COL18A1):c.107-12436C>T

Gene: COL18A1 (collagen type XVIII alpha 1 chain; plus strand). Cytogenetic location: 21q22.3.
Variant type: single nucleotide variant.
Coding change: c.107-12436C>T on transcript NM_001379500.1 (MANE Select); 12436 bases into the intron before coding-DNA position 107, C replaced by T.
Molecular consequence: intron variant. On other transcripts: synonymous variant (2).
Genome position (GRCh38, 1-based): chr21:45,455,806, C>T. VCF-style: chr21-45455806-C-T. GRCh37 (hg19) VCF-style: chr21-46875720-C-T.
Other names: c.276C>T, p.Asp92= (NM_030582.4, NM_130444.3).
Identifiers: ClinVar variation 4533738 (VCV004533738.6).